The following is an entry in ClinVar:

ClinVar aggregate classification (germline): Uncertain significance (1 of 4 stars; one submission).

Conditions:
Inborn genetic diseases. Identifiers: MedGen C0950123, MeSH D030342.

gnomAD v4.1: 15 of 1,614,114 alleles (0.00093%); highest among the groups gnomAD compares: South Asian, 0.013%; no homozygotes.

Submission:

Ambry Genetics
Classification: Uncertain significance for Inborn genetic diseases. Last evaluated: 2025-01-09. Review status: criteria provided, single submitter. Criteria: Ambry Variant Classification Scheme 2023. Collection method: clinical testing. Allele origin: germline.
Comment: The p.K1206E variant (also known as c.3616A>G), located in coding exon 17 of the MECOM gene, results from an A to G substitution at nucleotide position 3616. The lysine at codon 1206 is replaced by glutamic acid, an amino acid with similar properties. This amino acid position is conserved. In addition, this alteration is predicted to be tolerated by in silico analysis. Based on the available evidence, the clinical significance of this variant remains unclear.

NM_004991.4(MECOM):c.3616A>G (p.Lys1206Glu)

Gene: MECOM (MDS1 and EVI1 complex locus; minus strand). Cytogenetic location: 3q26.2.
Variant type: single nucleotide variant.
Coding change: c.3616A>G on transcript NM_004991.4 (MANE Select); coding-DNA position 3616, A replaced by G.
Protein change: p.Lys1206Glu; replaces lysine 1206 with glutamic acid.
Molecular consequence: missense variant.
Genome position (GRCh38, 1-based): chr3:169,085,013, T>C on the plus strand (A>G on the coding strand, the complement: MECOM is on the minus strand). VCF-style: chr3-169085013-T-C. GRCh37 (hg19) VCF-style: chr3-168802801-T-C.
Other names: c.3247A>G, p.Lys1083Glu (NM_001105077.4); c.3052A>G, p.Lys1018Glu (NM_001105078.4, NM_001205194.2, NM_001366469.2 and 1 more transcripts); c.3028A>G, p.Lys1010Glu (NM_001163999.2, NM_001366470.2); c.3025A>G, p.Lys1009Glu (NM_001164000.2, NM_001366471.2, NM_001366472.2); c.3589A>G, p.Lys1197Glu (NM_001366466.2); c.3055A>G, p.Lys1019Glu (NM_001366467.2, NM_001366468.2); c.2617A>G, p.Lys873Glu (NM_001366473.2); c.2053A>G, p.Lys685Glu (NM_001366474.2); short protein forms K1206E, K1009E, K1019E, K1197E, K1010E, K873E, K1018E, K1083E.
Identifiers: ClinVar variation 3871686 (VCV003871686.1).